The following is an entry in ClinVar:

ClinVar aggregate classification (germline): Benign. Review status: criteria provided, multiple submitters, no conflicts (2 of 4 stars). 2 submissions from 2 submitters: Benign (2). Last evaluated 2018-01-12.

Conditions:
Spinocerebellar ataxia type 23 (SCA23). Identifiers: Orphanet 101108, MedGen C1853250, MONDO:0012449, OMIM 610245.

Allele frequency attached by ClinVar (database versions not stated): gnomAD exomes 0.00109; gnomAD 0.00720 and 0.00768; 1000 Genomes Project 30x 0.00734; 1000 Genomes Project 0.00739; TOPMed 0.00765.
gnomAD v4.1: 1,344 of 371,794 alleles (0.36%); highest among the groups gnomAD compares: African/African-American, 2.4%; 12 homozygotes.

Submissions (2):

Illumina Laboratory Services, Illumina
Classification: Benign for Spinocerebellar ataxia type 23. Last evaluated: 2018-01-12. Review status: criteria provided, single submitter. Criteria: ICSL Variant Classification Criteria 13 December 2019. Collection method: clinical testing. Allele origin: germline.
Comment: This variant was observed in the ICSL laboratory as part of a predisposition screen in an ostensibly healthy population. It had not been previously curated by ICSL or reported in the Human Gene Mutation Database (HGMD: prior to June 1st, 2018), and was therefore a candidate for classification through an automated scoring system. Utilizing variant allele frequency, disease prevalence and penetrance estimates, and inheritance mode, an automated score was calculated to assess if this variant is too frequent to cause the disease. Based on the score and internal cut-off values, a variant classified as benign is not then subjected to further curation. The score for this variant resulted in a classification of benign for this disease.

Breakthrough Genomics
Classification: Benign. Review status: criteria provided, single submitter. Criteria: ACMG Guidelines, 2015. Collection method: not provided. Allele origin: germline. Inheritance: Autosomal dominant inheritance. Affected: yes.

NM_024411.5(PDYN):c.*356T>C

Genes: PDYN (prodynorphin; minus strand), PDYN-AS1 (PDYN antisense RNA 1; plus strand). Cytogenetic location: 20p13.
Variant type: single nucleotide variant.
Coding change: c.*356T>C on transcript NM_024411.5 (MANE Select); 356 bases downstream of the stop codon, T replaced by C.
Molecular consequence: 3 prime UTR variant.
Genome position (GRCh38, 1-based): chr20:1,979,967, A>G on the plus strand (T>C on the coding strand, the complement: PDYN is on the minus strand). VCF-style: chr20-1979967-A-G. GRCh37 (hg19) VCF-style: chr20-1960613-A-G.
Other names: c.*356T>C (NM_001190892.1, NM_001190898.3, NM_001190899.2 and 1 more transcripts).
Identifiers: ClinVar variation 337828 (VCV000337828.6), dbSNP rs114429882, ClinGen allele CA10649401.